The following is an entry in ClinVar:

NM_033380.3(COL4A5):c.1869del (p.Gly624fs)

Gene: COL4A5 (collagen type IV alpha 5 chain; plus strand). Cytogenetic location: Xq22.3.
Variant type: Deletion.
Coding change: c.1869del on transcript NM_033380.3 (MANE Select); coding-DNA position 1869, one base deleted (T; older notation c.1869delT).
Protein change: p.Gly624fs; shifts the reading frame from glycine 624.
Molecular consequence: frameshift variant.
Genome position (GRCh38, 1-based): chrX:108,598,791, T deleted. VCF-style (leftmost placement, unchanged base first): chrX-108598790-CT-C. GRCh37 (hg19) VCF-style: chrX-107842020-CT-C.
Other names: c.1869del, p.Gly624fs (NM_000495.5); short protein forms G624fs.
Identifiers: ClinVar variation 426808 (VCV000426808.2), dbSNP rs1085307808, ClinGen allele CA645293930.

ClinVar aggregate classification (germline): Pathogenic (1 of 4 stars; one submission).

Submission:

GeneDx
Classification: Pathogenic. Last evaluated: 2017-04-03. Review status: criteria provided, single submitter. Criteria: GeneDx Variant Classification (06012015). Collection method: clinical testing. Allele origin: germline. Affected: yes.
Comment: The c.1869delT variant in the COL4A5 gene has not been reported previously as a pathogenic variant nor as a benign variant, to our knowledge. The c.1869delT variant causes a frameshift starting with codon Glycine, changes this amino acid to a Valine residue, and creates a premature Stop codon at position 8 of the new reading frame, denoted p.Gly624ValfsX8. This variant is predicted to cause loss of normal protein function either through protein truncation or nonsense-mediated mRNA decay. The c.1869delT variant is not observed in large population cohorts (Lek et al., 2016; 1000 Genomes Consortium et al., 2015; Exome Variant Server). We interpret c.1869delT as a pathogenic variant.